The following is an entry in ClinVar:

NM_004380.3(CREBBP):c.4394+2dup

Gene: CREBBP (CREB binding lysine acetyltransferase; minus strand). Cytogenetic location: 16p13.3.
Variant type: Duplication.
Coding change: c.4394+2dup on transcript NM_004380.3 (MANE Select); the canonical splice donor site of the intron after coding-DNA position 4394, one base duplicated (T; older notation c.4394+2dupT).
Molecular consequence: splice donor variant.
Genome position (GRCh38, 1-based): chr16:3,738,557, A duplicated on the plus strand (T on the coding strand, the reverse complement: CREBBP is on the minus strand). VCF-style (leftmost placement, unchanged base first): chr16-3738556-C-CA. GRCh37 (hg19) VCF-style: chr16-3788557-C-CA.
Other names: c.4280+2dup (NM_001079846.1).
Identifiers: ClinVar variation 4883925 (VCV004883925.2).
Genomic context (GRCh38, chr16:3,738,556, plus strand): 5'-AATAAACATACAGTAAAAAATAAAGGGTTCTTACTAGTTCCAAATAATTTAATCCAAACT[C>CA]ACCCTAATTTCTTCACATACTCTAAATATCCAATAAGGATCTCATGGTAAACGGCTGTGC-3'

ClinVar aggregate classification (germline): Uncertain significance (1 of 4 stars; one submission).

Submission:

Dasa
Classification: Uncertain significance. Last evaluated: 2025-02-08. Review status: criteria provided, single submitter. Criteria: DASA Assertion Criteria. Collection method: clinical testing. Allele origin: germline.
Comment: NM_004380.3(CREBBP):c.4394+2dup affects a canonical splice site and is predicted to disrupt normal RNA splicing. This variant is absent from population databases. Computational prediction algorithms are consistent with a deleterious effect. The currently available literature and clinical evidence are not sufficient to establish a definitive association between this variant and the reported condition. Therefore, this variant is classified as a variant of uncertain significance.